The following is an entry in ClinVar:

ClinVar aggregate classification (germline): Uncertain significance (1 of 4 stars; one submission).

Conditions:
Hereditary spastic paraplegia 6 (SPG6). Also called: SPASTIC PARAPLEGIA 6, AUTOSOMAL DOMINANT. Identifiers: Orphanet 100988, MedGen C1838192, MONDO:0010878, OMIM 600363.

Submission:

Victorian Clinical Genetics Services, Murdoch Childrens Research Institute
Classification: Uncertain significance for Hereditary spastic paraplegia 6. Last evaluated: 2020-06-11. Review status: criteria provided, single submitter. Criteria: ACMG Guidelines, 2015. Collection method: clinical testing. Allele origin: germline. Affected: yes.
Comment: Based on the classification scheme VCGS_Germline_v1.1.1, this variant is classified as 3B-VUS. Following criteria are met: 0105 - The mechanism of disease for this gene is not clearly established. (N) 0107 - This gene is known to be associated with autosomal dominant disease. (N) 0200 - Variant is predicted to result in a missense amino acid change from alanine to glycine (exon 3). (N) 0251 - Variant is heterozygous. (N) 0301 - Variant is absent from gnomAD. (P) 0502 - Missense variant with conflicting in silico predictions and/or uninformative conservation. (N) 0600 - Variant is located in an annotated domain or motif (magnesium_transporter domain; PDB, DECIPHER). (N) 0705 - No comparable variants have previous evidence for pathogenicity. (N) 0806 - Limited previous evidence of neutrality in unrelated individuals. This variant was present in a control cohort and classified as benign (PMID: 22378146). (N) 0905 - No segregation evidence has been identified for this variant. (N) 1007 - No published functional evidence has been identified for this variant. (N) 1208 - Inheritance information for this variant is not currently available. (N) Legend: (P) - Pathogenic, (N) - Neutral, (B) - Benign

Literature cited by the submitters: PubMed 22378146.

NM_144599.5(NIPA1):c.257C>G (p.Ala86Gly)

Gene: NIPA1 (NIPA magnesium transporter 1; plus strand). Cytogenetic location: 15q11.2.
Variant type: single nucleotide variant.
Coding change: c.257C>G on transcript NM_144599.5 (MANE Select); coding-DNA position 257, C replaced by G.
Protein change: p.Ala86Gly; replaces alanine 86 with glycine.
Molecular consequence: missense variant.
Genome position (GRCh38, 1-based): chr15:22,812,193, C>G. VCF-style: chr15-22812193-C-G. GRCh37 (hg19) VCF-style: chr15-23060875-G-C.
Other names: c.32C>G, p.Ala11Gly (NM_001142275.1); short protein forms A11G, A86G.
Identifiers: ClinVar variation 1805183 (VCV001805183.1), dbSNP rs1555373315, ClinGen allele CA391303033.